The following is an entry in ClinVar:

ClinVar aggregate classification (germline): Benign/Likely benign. Review status: criteria provided, multiple submitters, no conflicts (2 of 4 stars). 20 submissions from 13 submitters: Benign (13); Likely benign (4). 3 of the submissions do not count toward it. Last evaluated 2026-02-03.

Conditions:
Dilated cardiomyopathy 1G (CMD1G). Identifiers: Orphanet 154, MedGen C1858763, MONDO:0011400, OMIM 604145.
Autosomal recessive limb-girdle muscular dystrophy type 2J (LGMDR10). Also called: MUSCULAR DYSTROPHY, LIMB-GIRDLE, AUTOSOMAL RECESSIVE 10; Limb-girdle muscular dystrophy, type 2J. Identifiers: Orphanet 140922, MedGen C1837342, MONDO:0012127, OMIM 608807.
Cardiovascular phenotype. Identifiers: MedGen CN230736.
Cardiomyopathy (CMYO). Also called: Cardiomyopathies. Identifiers: Orphanet 167848, MedGen C0878544, MONDO:0004994, HP:0001638. Inheritance: Various modes of inheritance.
Early-onset myopathy with fatal cardiomyopathy (CMYO5). Also called: CONGENITAL MYOPATHY 5 WITH CARDIOMYOPATHY; Salih Myopathy. Identifiers: Orphanet 289377, MedGen C2673677, MONDO:0012714, OMIM 611705. Disease mechanism: loss of function.
Myopathy, myofibrillar, 9, with early respiratory failure (MFM9). Also called: Myopathy, distal, with early respiratory failure, autosomal dominant; Hereditary myopathy with early respiratory failure; MYOPATHY, PROXIMAL, WITH EARLY RESPIRATORY MUSCLE INVOLVEMENT; EDSTROM MYOPATHY. Identifiers: Orphanet 178464, Orphanet 34521, MedGen C1863599, MONDO:0011362, OMIM 603689.
Tibial muscular dystrophy (TMD). Also called: Udd Distal Myopathy – Tibial Muscular Dystrophy; Tibial muscular dystrophy, tardive; UDD MYOPATHY. Identifiers: Orphanet 609, MedGen C1838244, MONDO:0010870, OMIM 600334.

Allele frequency attached by ClinVar (database versions not stated): TOPMed 0.00033; gnomAD 0.00101 and 0.00012; gnomAD exomes 0.00335 and 0.00167; ExAC 0.00396; 1000 Genomes Project 30x 0.00625; 1000 Genomes Project 0.00679.
gnomAD v4.1: 2,613 of 1,613,594 alleles (0.16%); highest among the groups gnomAD compares: South Asian, 2.6%; 58 homozygotes.

Submissions (20):

Labcorp Genetics (formerly Invitae), Labcorp
Classification: Benign for Dilated cardiomyopathy 1G; Autosomal recessive limb-girdle muscular dystrophy type 2J. Last evaluated: 2026-02-03. Review status: criteria provided, single submitter. Criteria: Invitae Variant Classification Sherloc (09022015). Collection method: clinical testing. Allele origin: germline.

Women's Health and Genetics/Laboratory Corporation of America, LabCorp
Classification: Benign. Last evaluated: 2023-08-19. Review status: criteria provided, single submitter. Criteria: LabCorp Variant Classification Summary - May 2015. Collection method: clinical testing. Allele origin: germline.

Genome-Nilou Lab
Classification: Benign for Autosomal recessive limb-girdle muscular dystrophy type 2J. Last evaluated: 2021-09-10. Review status: criteria provided, single submitter. Criteria: ACMG Guidelines, 2015. Collection method: clinical testing. Allele origin: germline. Affected: no.

Genome-Nilou Lab
Classification: Benign for Myopathy, myofibrillar, 9, with early respiratory failure. Last evaluated: 2021-09-10. Review status: criteria provided, single submitter. Criteria: ACMG Guidelines, 2015. Collection method: clinical testing. Allele origin: germline. Affected: no.

Genome-Nilou Lab
Classification: Benign for Early-onset myopathy with fatal cardiomyopathy. Last evaluated: 2021-09-10. Review status: criteria provided, single submitter. Criteria: ACMG Guidelines, 2015. Collection method: clinical testing. Allele origin: germline. Affected: no.

Genome-Nilou Lab
Classification: Benign for Tibial muscular dystrophy. Last evaluated: 2021-09-10. Review status: criteria provided, single submitter. Criteria: ACMG Guidelines, 2015. Collection method: clinical testing. Allele origin: germline. Affected: no.

Athena Diagnostics
Classification: Benign. Last evaluated: 2019-09-25. Review status: criteria provided, single submitter. Criteria: Athena Diagnostics Criteria. Collection method: clinical testing. Allele origin: unknown.

Ambry Genetics
Classification: Benign for Cardiovascular phenotype. Last evaluated: 2019-03-26. Review status: criteria provided, single submitter. Criteria: Ambry Variant Classification Scheme 2023. Collection method: clinical testing. Allele origin: germline.

Illumina Laboratory Services, Illumina
Classification: Likely benign for Dilated cardiomyopathy 1G. Last evaluated: 2018-01-13. Review status: criteria provided, single submitter. Criteria: ICSL Variant Classification Criteria 13 December 2019. Collection method: clinical testing. Allele origin: germline.
Comment: This variant was observed in the ICSL laboratory as part of a predisposition screen in an ostensibly healthy population. It had not been previously curated by ICSL or reported in the Human Gene Mutation Database (HGMD: prior to June 1st, 2018), and was therefore a candidate for classification through an automated scoring system. Utilizing variant allele frequency, disease prevalence and penetrance estimates, and inheritance mode, an automated score was calculated to assess if this variant is too frequent to cause the disease. Based on the score and internal cut-off values, a variant classified as likely benign is not then subjected to further curation. The score for this variant resulted in a classification of likely benign for this disease.

Illumina Laboratory Services, Illumina
Classification: Likely benign for Early-onset myopathy with fatal cardiomyopathy. Last evaluated: 2018-01-13. Review status: criteria provided, single submitter. Criteria: ICSL Variant Classification Criteria 13 December 2019. Collection method: clinical testing. Allele origin: germline.
Comment: the same text as in the submission from Illumina Laboratory Services, Illumina above.

Illumina Laboratory Services, Illumina
Classification: Likely benign for Autosomal recessive limb-girdle muscular dystrophy type 2J. Last evaluated: 2018-01-13. Review status: criteria provided, single submitter. Criteria: ICSL Variant Classification Criteria 13 December 2019. Collection method: clinical testing. Allele origin: germline.
Comment: the same text as in the submission from Illumina Laboratory Services, Illumina above.

Illumina Laboratory Services, Illumina
Classification: Benign for Myopathy, myofibrillar, 9, with early respiratory failure. Last evaluated: 2018-01-13. Review status: criteria provided, single submitter. Criteria: ICSL Variant Classification Criteria 13 December 2019. Collection method: clinical testing. Allele origin: germline.
Comment: This variant was observed in the ICSL laboratory as part of a predisposition screen in an ostensibly healthy population. It had not been previously curated by ICSL or reported in the Human Gene Mutation Database (HGMD: prior to June 1st, 2018), and was therefore a candidate for classification through an automated scoring system. Utilizing variant allele frequency, disease prevalence and penetrance estimates, and inheritance mode, an automated score was calculated to assess if this variant is too frequent to cause the disease. Based on the score and internal cut-off values, a variant classified as benign is not then subjected to further curation. The score for this variant resulted in a classification of benign for this disease.

Illumina Laboratory Services, Illumina
Classification: Benign for Tibial muscular dystrophy. Last evaluated: 2018-01-13. Review status: criteria provided, single submitter. Criteria: ICSL Variant Classification Criteria 13 December 2019. Collection method: clinical testing. Allele origin: germline.
Comment: the same text as in the submission from Illumina Laboratory Services, Illumina above.

CHEO Genetics Diagnostic Laboratory, Children's Hospital of Eastern Ontario
Classification: Benign for Cardiomyopathy. Last evaluated: 2016-01-05. Review status: criteria provided, single submitter. Criteria: ACMG Guidelines, 2015. Collection method: clinical testing. Allele origin: germline. Study: Canadian Open Genetics Repository.

Genetic Services Laboratory, University of Chicago
Classification: Likely benign. Last evaluated: 2015-04-04. Review status: criteria provided, single submitter. Criteria: ACMG Guidelines, 2015. Collection method: clinical testing. Allele origin: germline.

Laboratory for Molecular Medicine, Mass General Brigham Personalized Medicine
Classification: Benign. Last evaluated: 2014-11-20. Review status: criteria provided, single submitter. Criteria: LMM Criteria. Collection method: clinical testing. Allele origin: germline. Observed: 9 variant alleles.
Comment: p.Thr24931Thr in exon 275 of TTN: This variant is not expected to have clinical significance because it has been identified in 2.8% (467/16628) of South Asian c hromosomes by the Exome Aggregation Consortium (ExAC .org).

GeneDx
Classification: Benign. Last evaluated: 2014-10-06. Review status: criteria provided, single submitter. Criteria: GeneDx Variant Classification (06012015). Collection method: clinical testing. Allele origin: germline. Affected: yes.
Comment: This variant is considered likely benign or benign based on one or more of the following criteria: it is a conservative change, it occurs at a poorly conserved position in the protein, it is predicted to be benign by multiple in silico algorithms, and/or has population frequency not consistent with disease.

Clinical Genetics DNA and cytogenetics Diagnostics Lab, Erasmus MC, Erasmus Medical Center
Classification: Likely benign. Review status: no assertion criteria provided. Collection method: clinical testing. Allele origin: germline. Affected: yes. Study: VKGL Data-share Consensus. Not counted in ClinVar's aggregate classification.

Clinical Genetics, Academic Medical Center
Classification: Benign. Review status: no assertion criteria provided. Collection method: clinical testing. Allele origin: germline. Affected: yes. Study: VKGL Data-share Consensus. Not counted in ClinVar's aggregate classification.

Diagnostic Laboratory, Department of Genetics, University Medical Center Groningen
Classification: Likely benign. Review status: no assertion criteria provided. Collection method: clinical testing. Allele origin: germline. Affected: yes. Study: VKGL Data-share Consensus. Not counted in ClinVar's aggregate classification.

NM_001267550.2(TTN):c.82497C>T (p.Thr27499=)

Genes: TTN (titin; minus strand), TTN-AS1 (TTN antisense RNA 1; plus strand). Cytogenetic location: 2q31.2.
Variant type: single nucleotide variant.
Coding change: c.82497C>T on transcript NM_001267550.2 (MANE Select); coding-DNA position 82497, C replaced by T.
Protein change: p.Thr27499=; no amino-acid change (threonine 27499 retained).
Molecular consequence: synonymous variant.
Genome position (GRCh38, 1-based): chr2:178,563,635, G>A on the plus strand (C>T on the coding strand, the complement: TTN is on the minus strand). VCF-style: chr2-178563635-G-A. GRCh37 (hg19) VCF-style: chr2-179428362-G-A.
Other names: p.T25858T:ACC>ACT; c.55878C>T, p.Thr18626= (NM_133437.4); c.77574C>T, p.Thr25858= (NM_001256850.1); c.55302C>T, p.Thr18434= (NM_003319.4); c.74793C>T, p.Thr24931= (NM_133378.4); c.55677C>T, p.Thr18559= (NM_133432.3).
Identifiers: ClinVar variation 47413 (VCV000047413.36), dbSNP rs199629314, ClinGen allele CA283899.